The following is an entry in ClinVar:

ClinVar aggregate classification (germline): Uncertain significance (1 of 4 stars; one submission).

Submission:

Labcorp Genetics (formerly Invitae), Labcorp
Classification: Uncertain significance. Last evaluated: 2022-01-26. Review status: criteria provided, single submitter. Criteria: Invitae Variant Classification Sherloc (09022015). Collection method: clinical testing. Allele origin: germline.
Comment: This variant has not been reported in the literature in individuals affected with TNFAIP3-related conditions. Algorithms developed to predict the effect of missense changes on protein structure and function are either unavailable or do not agree on the potential impact of this missense change (SIFT: "Tolerated"; PolyPhen-2: "Probably Damaging"; Align-GVGD: "Class C0"). In summary, the available evidence is currently insufficient to determine the role of this variant in disease. Therefore, it has been classified as a Variant of Uncertain Significance. This variant is not present in population databases (gnomAD no frequency). This sequence change replaces glutamic acid, which is acidic and polar, with aspartic acid, which is acidic and polar, at codon 630 of the TNFAIP3 protein (p.Glu630Asp).

NM_001270508.2(TNFAIP3):c.1890G>C (p.Glu630Asp)

Gene: TNFAIP3 (TNF alpha induced protein 3; plus strand). Cytogenetic location: 6q23.3.
Variant type: single nucleotide variant.
Coding change: c.1890G>C on transcript NM_001270508.2 (MANE Select); coding-DNA position 1890, G replaced by C.
Protein change: p.Glu630Asp; replaces glutamic acid 630 with aspartic acid.
Molecular consequence: missense variant.
Genome position (GRCh38, 1-based): chr6:137,879,335, G>C. VCF-style: chr6-137879335-G-C. GRCh37 (hg19) VCF-style: chr6-138200472-G-C.
Other names: c.1890G>C, p.Glu630Asp (NM_001270507.2, NM_006290.4); short protein forms E630D.
Identifiers: ClinVar variation 2089595 (VCV002089595.4), dbSNP rs148802108, ClinGen allele CA365794319.